The following is an entry in ClinVar:

ClinVar aggregate classification (germline): Uncertain significance. Review status: criteria provided, multiple submitters, no conflicts (2 of 4 stars). 3 submissions from 3 submitters: Uncertain significance (3). Last evaluated 2026-01-26.

Conditions:
Progressive sclerosing poliodystrophy (MTDPS4A). Also called: Mitochondrial DNA depletion syndrome 4A (Alpers type); Alpers Syndrome; ALPERS DIFFUSE DEGENERATION OF CEREBRAL GRAY MATTER WITH HEPATIC CIRRHOSIS; Mitochondrial DNA Depletion Syndrome 4A; Alpers-Huttenlocher Syndrome (AHS); ALPERS PROGRESSIVE INFANTILE POLIODYSTROPHY. Identifiers: Orphanet 726, MedGen C0205710, MONDO:0008758, OMIM 203700.

Allele frequency attached by ClinVar (database versions not stated): ExAC 0.00001; gnomAD exomes 0.00001; gnomAD 0.00003; TOPMed 0.00003.
gnomAD v4.1: 6 of 1,613,426 alleles (0.00037%); highest among the groups gnomAD compares: African/African-American, 0.004%; no homozygotes.

Submissions (3):

Labcorp Genetics (formerly Invitae), Labcorp
Classification: Uncertain significance for Progressive sclerosing poliodystrophy. Last evaluated: 2026-01-26. Review status: criteria provided, single submitter. Criteria: Invitae Variant Classification Sherloc (09022015). Collection method: clinical testing. Allele origin: germline.
Comment: This sequence change replaces alanine, which is neutral and non-polar, with serine, which is neutral and polar, at codon 718 of the POLG protein (p.Ala718Ser). This variant is present in population databases (rs755783536, gnomAD 0.004%). This variant has not been reported in the literature in individuals affected with POLG-related conditions. ClinVar contains an entry for this variant (Variation ID: 432235). Invitae Evidence Modeling of protein sequence and biophysical properties (such as structural, functional, and spatial information, amino acid conservation, physicochemical variation, residue mobility, and thermodynamic stability) indicates that this missense variant is not expected to disrupt POLG protein function with a negative predictive value of 95%. In summary, the available evidence is currently insufficient to determine the role of this variant in disease. Therefore, it has been classified as a Variant of Uncertain Significance.

GeneDx
Classification: Uncertain significance. Last evaluated: 2021-03-17. Review status: criteria provided, single submitter. Criteria: GeneDx Variant Classification Process June 2021. Collection method: clinical testing. Allele origin: germline. Affected: yes.
Comment: Not observed at a significant frequency in large population cohorts (Lek et al., 2016); In silico analysis supports that this missense variant does not alter protein structure/function; Has not been previously published as pathogenic or benign to our knowledge

Eurofins Ntd Llc (ga)
Classification: Uncertain significance. Last evaluated: 2017-10-18. Review status: criteria provided, single submitter. Criteria: EGL Classification Definitions 2015. Collection method: clinical testing. Allele origin: germline. Observed: 1 variant allele, 1 heterozygote.

NM_002693.3(POLG):c.2152G>T (p.Ala718Ser)

Gene: POLG (DNA polymerase gamma, catalytic subunit; minus strand). Cytogenetic location: 15q26.1.
Variant type: single nucleotide variant.
Coding change: c.2152G>T on transcript NM_002693.3 (MANE Select); coding-DNA position 2152, G replaced by T.
Protein change: p.Ala718Ser; replaces alanine 718 with serine.
Molecular consequence: missense variant.
Genome position (GRCh38, 1-based): chr15:89,323,820, C>A on the plus strand (G>T on the coding strand, the complement: POLG is on the minus strand). VCF-style: chr15-89323820-C-A. GRCh37 (hg19) VCF-style: chr15-89867051-C-A.
Other names: c.2152G>T, p.Ala718Ser (NM_001126131.2); short protein forms A718S.
Identifiers: ClinVar variation 432235 (VCV000432235.14), dbSNP rs755783536, ClinGen allele CA7724581.